The following is an entry in ClinVar:

ClinVar aggregate classification (germline): Uncertain significance. Review status: criteria provided, multiple submitters, no conflicts (2 of 4 stars). 3 submissions from 3 submitters: Uncertain significance (2). 1 of the submissions does not count toward it. Last evaluated 2025-11-20.

Conditions:
Inborn genetic diseases. Identifiers: MedGen C0950123, MeSH D030342.
Charcot-Marie-Tooth disease. Also called: Charcot-Marie-Tooth Hereditary Neuropathy; Charcot-Marie-Tooth Neuropathy. Identifiers: Orphanet 166, MedGen C0007959, MONDO:0015626.
Charcot-Marie-Tooth disease axonal type 2P. Also called: CHARCOT-MARIE-TOOTH NEUROPATHY, TYPE 2P; Charcot-Marie-Tooth Neuropathy Type 2G; CHARCOT-MARIE-TOOTH DISEASE, AXONAL, TYPE 2G; CMT 2G. Identifiers: Orphanet 300319, Orphanet 99941, MedGen C3280797, MONDO:0013753, OMIM 614436.

Allele frequency attached by ClinVar (database versions not stated): gnomAD exomes 0.00002 and 0.00004; TOPMed 0.00006; ExAC 0.00015; ESP Exome Variant Server 0.00015; gnomAD 0.00002.

Submissions (3):

Ambry Genetics
Classification: Uncertain significance for Inborn genetic diseases. Last evaluated: 2025-11-20. Review status: criteria provided, single submitter. Criteria: Ambry Variant Classification Scheme 2023. Collection method: clinical testing. Allele origin: germline.

Labcorp Genetics (formerly Invitae), Labcorp
Classification: Uncertain significance for Charcot-Marie-Tooth disease axonal type 2P. Last evaluated: 2024-03-12. Review status: criteria provided, single submitter. Criteria: Invitae Variant Classification Sherloc (09022015). Collection method: clinical testing. Allele origin: germline.
Comment: This sequence change replaces arginine, which is basic and polar, with glutamine, which is neutral and polar, at codon 381 of the LRSAM1 protein (p.Arg381Gln). This variant is present in population databases (rs145877456, gnomAD 0.01%). This variant has not been reported in the literature in individuals affected with LRSAM1-related conditions. ClinVar contains an entry for this variant (Variation ID: 665625). Advanced modeling of protein sequence and biophysical properties (such as structural, functional, and spatial information, amino acid conservation, physicochemical variation, residue mobility, and thermodynamic stability) has been performed at Invitae for this missense variant, however the output from this modeling did not meet the statistical confidence thresholds required to predict the impact of this variant on LRSAM1 protein function. In summary, the available evidence is currently insufficient to determine the role of this variant in disease. Therefore, it has been classified as a Variant of Uncertain Significance.

Genesis Genome Database
Classification: Uncertain significance for Charcot-Marie-Tooth disease. Last evaluated: 2019-08-14. Review status: no assertion criteria provided. Collection method: research. Allele origin: germline. Affected: yes. Not counted in ClinVar's aggregate classification.

NM_001005373.4(LRSAM1):c.1142G>A (p.Arg381Gln)

Gene: LRSAM1 (leucine rich repeat and sterile alpha motif containing 1; plus strand). Cytogenetic location: 9q33.3.
Variant type: single nucleotide variant.
Coding change: c.1142G>A on transcript NM_001005373.4 (MANE Select); coding-DNA position 1142, G replaced by A.
Protein change: p.Arg381Gln; replaces arginine 381 with glutamine.
Molecular consequence: missense variant. On other transcripts: non-coding transcript variant (2).
Genome position (GRCh38, 1-based): chr9:127,483,003, G>A. VCF-style: chr9-127483003-G-A. GRCh37 (hg19) VCF-style: chr9-130245282-G-A.
Other names: c.1142G>A, p.Arg381Gln (NM_001005374.4, NM_001190723.3, NM_001384142.1 and 2 more transcripts); c.353G>A, p.Arg118Gln (NM_001384144.1); c.1142G>A (NM_138361.4); short protein forms R381Q, R118Q.
Identifiers: ClinVar variation 665625 (VCV000665625.11), dbSNP rs145877456, ClinGen allele CA5246852.